The following is an entry in ClinVar:

NM_024675.4(PALB2):c.1560_1565dup (p.Pro522_Ala523insThrPro)

Gene: PALB2 (partner and localizer of BRCA2; minus strand). Cytogenetic location: 16p12.2.
Variant type: Duplication.
Coding change: c.1560_1565dup on transcript NM_024675.4 (MANE Select); coding-DNA positions 1560 to 1565, 6 bases duplicated (CACCCC; older notation c.1560_1565dupCACCCC).
Protein change: p.Pro522_Ala523insThrPro.
Molecular consequence: intron variant (on NM_001407314.1). On other transcripts: inframe indel (1).
Genome position (GRCh38, 1-based): chr16:23,634,981-23,634,986, GGGGTG duplicated on the plus strand (CACCCC on the coding strand, the reverse complement: PALB2 is on the minus strand). VCF-style (leftmost placement, unchanged base first): chr16-23634980-T-TGGGGTG. GRCh37 (hg19) VCF-style: chr16-23646301-T-TGGGGTG.
Other names: c.1500_1505dup, p.Pro502_Ala503insThrPro (NM_001407296.1); c.1560_1565dup, p.Pro522_Ala523insThrPro (NM_001407297.1, NM_001407298.1, NM_001407299.1 and 3 more transcripts); c.675_680dup, p.Pro227_Ala228insThrPro (NM_001407304.1, NM_001407305.1, NM_001407306.1 and 5 more transcripts); c.49-5711_49-5706dup (NM_001407314.1); c.-104-4517_-104-4512dup (NM_001407313.1, NM_001407312.1); c.1560_1565dupCACCCC (NM_024675.3).
Identifiers: ClinVar variation 3413436 (VCV003413436.1).

ClinVar aggregate classification (germline): Uncertain significance (1 of 4 stars; one submission).

Conditions:
Hereditary cancer-predisposing syndrome. Also called: Neoplastic Syndromes, Hereditary; Tumor predisposition; Hereditary Cancer Syndrome; Hereditary neoplastic syndrome. Identifiers: Orphanet 140162, MedGen C0027672, MeSH D009386, MONDO:0015356.

Submission:

Ambry Genetics
Classification: Uncertain significance for Hereditary cancer-predisposing syndrome. Last evaluated: 2024-07-22. Review status: criteria provided, single submitter. Criteria: Ambry Variant Classification Scheme 2023. Collection method: clinical testing. Allele origin: germline.
Comment: The c.1560_1565dupCACCCC variant (also known as p.T521_P522dup), located in coding exon 4 of the PALB2 gene, results from an in-frame duplication of CACCCC at nucleotide positions 1560 to 1565. This results in the duplication of 2 extra residues (TP) between codons 521 and 522. These amino acid positions are not well conserved in available vertebrate species. In addition, the in silico prediction for this alteration is inconclusive (Choi Y et al. PLoS ONE. 2012; 7(10):e46688). Based on the available evidence, the clinical significance of this variant remains unclear.